The following is an entry in ClinVar:

NM_015557.3(CHD5):c.337C>T (p.Arg113Ter)

Gene: CHD5 (chromodomain helicase DNA binding protein 5; minus strand). Cytogenetic location: 1p36.31.
Variant type: single nucleotide variant.
Coding change: c.337C>T on transcript NM_015557.3 (MANE Select); coding-DNA position 337, C replaced by T.
Protein change: p.Arg113Ter; replaces arginine 113 with a stop codon.
Molecular consequence: nonsense.
Genome position (GRCh38, 1-based): chr1:6,159,386, G>A on the plus strand (C>T on the coding strand, the complement: CHD5 is on the minus strand). VCF-style: chr1-6159386-G-A. GRCh37 (hg19) VCF-style: chr1-6219446-G-A.
Other names: short protein forms R113*.
Identifiers: ClinVar variation 3903284 (VCV003903284.1).
Genomic context (GRCh38, chr1:6,159,386, plus strand): 5'-CCACAGTTACCTTTAAGCATCCATCATCATTATCATCCTCATCCTCATCCTTCTTTTTTC[G>A]CTTGGCTTTTTTCTCCTTCTTGTCCTTGAGTTTCTTCTTCTTCTTTTTATTCGGGGAGTA-3'

ClinVar aggregate classification (germline): Uncertain significance (1 of 4 stars; one submission).

Submission:

GeneDx
Classification: Uncertain significance. Last evaluated: 2024-12-13. Review status: criteria provided, single submitter. Criteria: GeneDx Variant Classification Process June 2021. Collection method: clinical testing. Allele origin: germline. Affected: yes.
Comment: Nonsense variant predicted to result in protein truncation or nonsense mediated decay in a gene for which loss of function is a known mechanism of disease; Has not been previously published as pathogenic or benign to our knowledge